The following is an entry in ClinVar:

NM_000166.6(GJB1):c.472C>G (p.Pro158Ala)

Gene: GJB1 (gap junction protein beta 1; plus strand). Cytogenetic location: Xq13.1.
Variant type: single nucleotide variant.
Coding change: c.472C>G on transcript NM_000166.6 (MANE Select); coding-DNA position 472, C replaced by G.
Protein change: p.Pro158Ala; replaces proline 158 with alanine.
Molecular consequence: missense variant.
Genome position (GRCh38, 1-based): chrX:71,224,179, C>G. VCF-style: chrX-71224179-C-G. GRCh37 (hg19) VCF-style: chrX-70444029-C-G.
Other names: c.472C>G, p.Pro158Ala (NM_001097642.3); short protein forms P158A.
Identifiers: ClinVar variation 637158 (VCV000637158.4), dbSNP rs1602349430, ClinGen allele CA413502661.

ClinVar aggregate classification (germline): Uncertain significance. Review status: criteria provided, single submitter (1 of 4 stars). 2 submissions from 2 submitters: Uncertain significance (1). 1 of the submissions does not count toward it. Last evaluated 2023-07-25.

Conditions:
Charcot-Marie-Tooth Neuropathy X. Identifiers: MedGen CN118851.
Charcot-Marie-Tooth disease. Also called: Charcot-Marie-Tooth Hereditary Neuropathy; Charcot-Marie-Tooth Neuropathy. Identifiers: Orphanet 166, MedGen C0007959, MONDO:0015626.

Submissions (2):

Labcorp Genetics (formerly Invitae), Labcorp
Classification: Uncertain significance for Charcot-Marie-Tooth Neuropathy X. Last evaluated: 2023-07-25. Review status: criteria provided, single submitter. Criteria: Invitae Variant Classification Sherloc (09022015). Collection method: clinical testing. Allele origin: germline.
Comment: This sequence change replaces proline, which is neutral and non-polar, with alanine, which is neutral and non-polar, at codon 158 of the GJB1 protein (p.Pro158Ala). This variant is not present in population databases (gnomAD no frequency). This missense change has been observed in individuals with Charcot-Marie-Tooth disease (PMID: 9566397, 9818870, 26989944). ClinVar contains an entry for this variant (Variation ID: 637158). An algorithm developed to predict the effect of missense changes on protein structure and function (PolyPhen-2) suggests that this variant is likely to be disruptive. Experimental studies have shown that this missense change does not substantially affect GJB1 function (PMID: 15006706). This variant disrupts the p.Pro158 amino acid residue in GJB1. Other variant(s) that disrupt this residue have been observed in individuals with GJB1-related conditions (PMID: 26989944, 32657593; Invitae), which suggests that this may be a clinically significant amino acid residue. In summary, the available evidence is currently insufficient to determine the role of this variant in disease. Therefore, it has been classified as a Variant of Uncertain Significance.

Inherited Neuropathy Consortium
Classification: Uncertain significance for Charcot-Marie-Tooth disease. Review status: no assertion criteria provided. Collection method: literature only. Allele origin: germline. Affected: yes. Not counted in ClinVar's aggregate classification.

Literature cited by the submitters: PubMed 9566397 (cited by Labcorp Genetics (formerly Invitae), Labcorp); PubMed 9818870 (cited by Labcorp Genetics (formerly Invitae), Labcorp); PubMed 26989944 (cited by Labcorp Genetics (formerly Invitae), Labcorp); PubMed 15006706 (cited by Labcorp Genetics (formerly Invitae), Labcorp); PubMed 32657593 (cited by Labcorp Genetics (formerly Invitae), Labcorp); PubMed 9401007 (cited by Inherited Neuropathy Consortium).